The following is an entry in ClinVar:

NM_001205293.3(CACNA1E):c.3829-1G>T

Gene: CACNA1E (calcium voltage-gated channel subunit alpha1 E; plus strand). Cytogenetic location: 1q25.3.
Variant type: single nucleotide variant.
Coding change: c.3829-1G>T on transcript NM_001205293.3 (MANE Select); the canonical splice acceptor site of the intron before coding-DNA position 3829, G replaced by T.
Molecular consequence: splice acceptor variant.
Genome position (GRCh38, 1-based): chr1:181,755,236, G>T. VCF-style: chr1-181755236-G-T. GRCh37 (hg19) VCF-style: chr1-181724372-G-T.
Other names: c.3829-1G>T (NM_000721.4); c.3772-1G>T (NM_001205294.2).
Identifiers: ClinVar variation 3764329 (VCV003764329.1).

ClinVar aggregate classification (germline): Uncertain significance (1 of 4 stars; one submission).

Submission:

GeneDx
Classification: Uncertain significance. Last evaluated: 2024-08-22. Review status: criteria provided, single submitter. Criteria: GeneDx Variant Classification Process June 2021. Collection method: clinical testing. Allele origin: germline. Affected: yes.
Comment: Not observed at significant frequency in large population cohorts (gnomAD); Canonical splice site variant in a gene or region of a gene for which loss of function is not a well-established mechanism of disease; Has not been previously published as pathogenic or benign to our knowledge